The following is an entry in ClinVar:

ClinVar aggregate classification (germline): Likely pathogenic (1 of 4 stars; one submission).

Conditions:
Nemaline myopathy 10 (NEM10). Identifiers: MedGen C4015360, MONDO:0014513, OMIM 616165.

Submission:

Labcorp Genetics (formerly Invitae), Labcorp
Classification: Likely pathogenic for Nemaline myopathy 10. Last evaluated: 2025-06-10. Review status: criteria provided, single submitter. Criteria: Invitae Variant Classification Sherloc (09022015). Collection method: clinical testing. Allele origin: germline.
Comment: This sequence change replaces glycine, which is neutral and non-polar, with arginine, which is basic and polar, at codon 326 of the LMOD3 protein (p.Gly326Arg). This variant is not present in population databases (gnomAD no frequency). This missense change has been observed in individuals with clinical features of nemaline myopathy (PMID: 25250574; internal data). ClinVar contains an entry for this variant (Variation ID: 1055832). An algorithm developed to predict the effect of missense changes on protein structure and function (PolyPhen-2) suggests that this variant is likely to be disruptive. Experimental studies have shown that this missense change affects LMOD3 function (PMID: 37956287). In summary, the currently available evidence indicates that the variant is pathogenic, but additional data are needed to prove that conclusively. Therefore, this variant has been classified as Likely Pathogenic.

Literature cited by the submitters: PubMed 25250574; PubMed 37956287.

NM_198271.5(LMOD3):c.976G>C (p.Gly326Arg)

Gene: LMOD3 (leiomodin 3; minus strand). Cytogenetic location: 3p14.1.
Variant type: single nucleotide variant.
Coding change: c.976G>C on transcript NM_198271.5 (MANE Select); coding-DNA position 976, G replaced by C.
Protein change: p.Gly326Arg; replaces glycine 326 with arginine.
Molecular consequence: missense variant.
Genome position (GRCh38, 1-based): chr3:69,119,379, C>G on the plus strand (G>C on the coding strand, the complement: LMOD3 is on the minus strand). VCF-style: chr3-69119379-C-G. GRCh37 (hg19) VCF-style: chr3-69168530-C-G.
Other names: c.976G>C, p.Gly326Arg (NM_001304418.3); short protein forms G326R.
Identifiers: ClinVar variation 1055832 (VCV001055832.3), dbSNP rs2107526347, ClinGen allele CA353473660.